The following is an entry in ClinVar:

NM_004525.3(LRP2):c.10144G>A (p.Ala3382Thr)

Gene: LRP2 (LDL receptor related protein 2; minus strand). Cytogenetic location: 2q31.1.
Variant type: single nucleotide variant.
Coding change: c.10144G>A on transcript NM_004525.3 (MANE Select); coding-DNA position 10144, G replaced by A.
Protein change: p.Ala3382Thr; replaces alanine 3382 with threonine.
Molecular consequence: missense variant.
Genome position (GRCh38, 1-based): chr2:169,181,473, C>T on the plus strand (G>A on the coding strand, the complement: LRP2 is on the minus strand). VCF-style: chr2-169181473-C-T. GRCh37 (hg19) VCF-style: chr2-170037983-C-T.
Other names: short protein forms A3382T.
Identifiers: ClinVar variation 1920619 (VCV001920619.5), dbSNP rs200854662, ClinGen allele CA1953423.

ClinVar aggregate classification (germline): Uncertain significance. Review status: criteria provided, multiple submitters, no conflicts (2 of 4 stars). 2 submissions from 2 submitters: Uncertain significance (2). Last evaluated 2024-05-08.

Conditions:
Donnai-Barrow syndrome. Also called: DBS/FOAR SYNDROME; FACIOOCULOACOUSTICORENAL SYNDROME. Identifiers: Orphanet 2143, MedGen C1857277, MONDO:0009104, OMIM 222448.

Allele frequency attached by ClinVar (database versions not stated): gnomAD 0.00001; TOPMed 0.00001; ExAC 0.00002; gnomAD exomes 0.00007; ESP Exome Variant Server 0.00008.
gnomAD v4.1: 105 of 1,614,024 alleles (0.0065%); highest among the groups gnomAD compares: Non-Finnish European, 0.0086%; no homozygotes.

Submissions (2):

Fulgent Genetics
Classification: Uncertain significance for Donnai-Barrow syndrome. Last evaluated: 2024-05-08. Review status: criteria provided, single submitter. Criteria: ACMG Guidelines, 2015. Collection method: clinical testing. Allele origin: germline.

Labcorp Genetics (formerly Invitae), Labcorp
Classification: Uncertain significance. Last evaluated: 2024-02-24. Review status: criteria provided, single submitter. Criteria: Invitae Variant Classification Sherloc (09022015). Collection method: clinical testing. Allele origin: germline.
Comment: This sequence change replaces alanine, which is neutral and non-polar, with threonine, which is neutral and polar, at codon 3382 of the LRP2 protein (p.Ala3382Thr). This variant is present in population databases (rs200854662, gnomAD 0.006%). This variant has not been reported in the literature in individuals affected with LRP2-related conditions. ClinVar contains an entry for this variant (Variation ID: 1920619). Advanced modeling of protein sequence and biophysical properties (such as structural, functional, and spatial information, amino acid conservation, physicochemical variation, residue mobility, and thermodynamic stability) performed at Invitae indicates that this missense variant is not expected to disrupt LRP2 protein function with a negative predictive value of 95%. In summary, the available evidence is currently insufficient to determine the role of this variant in disease. Therefore, it has been classified as a Variant of Uncertain Significance.